The following is an entry in ClinVar:

NM_015158.5(KANK1):c.3467A>G (p.Asn1156Ser)

Genes: KANK1 (KN motif and ankyrin repeat domains 1; plus strand), LOC126860554 (MED14-independent group 3 enhancer GRCh37_chr9:737889-739088; plus strand). Cytogenetic location: 9p24.3.
Variant type: single nucleotide variant.
Coding change: c.3467A>G on transcript NM_015158.5 (MANE Select); coding-DNA position 3467, A replaced by G.
Protein change: p.Asn1156Ser; replaces asparagine 1156 with serine.
Molecular consequence: missense variant. On other transcripts: non-coding transcript variant (1).
Genome position (GRCh38, 1-based): chr9:738,418, A>G. VCF-style: chr9-738418-A-G. GRCh37 (hg19) VCF-style: chr9-738418-A-G.
Other names: c.3467A>G, p.Asn1156Ser (NM_001256876.3, NM_001256877.3, NM_001354334.2); c.3227A>G, p.Asn1076Ser (NM_001354331.2); c.3413A>G, p.Asn1138Ser (NM_001354332.2); c.2993A>G, p.Asn998Ser (NM_001354333.2, NM_001354335.2, NM_001354337.2 and 2 more transcripts); c.2699A>G, p.Asn900Ser (NM_001354336.2); c.2939A>G, p.Asn980Ser (NM_001354338.2, NM_001354340.2, NM_001354344.2); c.2753A>G, p.Asn918Ser (NM_001354339.2, NM_001354342.2, NM_001354343.2); c.3467A>G (NM_015158.2); short protein forms N1076S, N1138S, N918S, N1156S, N900S, N980S, N998S.
Identifiers: ClinVar variation 2166914 (VCV002166914.6), dbSNP rs142088222, ClinGen allele CA4960968.

ClinVar aggregate classification (germline): Uncertain significance. Review status: criteria provided, multiple submitters, no conflicts (2 of 4 stars). 2 submissions from 2 submitters: Uncertain significance (2). Last evaluated 2024-01-15.

Allele frequency attached by ClinVar (database versions not stated): ExAC 0.00002; gnomAD 0.00007; TOPMed 0.00014; ESP Exome Variant Server 0.00023.

Submissions (3):

Labcorp Genetics (formerly Invitae), Labcorp
Classification: Uncertain significance. Last evaluated: 2024-01-15. Review status: criteria provided, single submitter. Criteria: Invitae Variant Classification Sherloc (09022015). Collection method: clinical testing. Allele origin: germline.
Comment: This sequence change replaces asparagine, which is neutral and polar, with serine, which is neutral and polar, at codon 1156 of the KANK1 protein (p.Asn1156Ser). This variant is present in population databases (rs142088222, gnomAD 0.03%). This variant has not been reported in the literature in individuals affected with KANK1-related conditions. ClinVar contains an entry for this variant (Variation ID: 2166914). Advanced modeling of protein sequence and biophysical properties (such as structural, functional, and spatial information, amino acid conservation, physicochemical variation, residue mobility, and thermodynamic stability) performed at Invitae indicates that this missense variant is expected to disrupt KANK1 protein function with a positive predictive value of 80%. In summary, the available evidence is currently insufficient to determine the role of this variant in disease. Therefore, it has been classified as a Variant of Uncertain Significance.

Ambry Genetics
Classification: Uncertain significance. Last evaluated: 2022-10-03. Review status: criteria provided, single submitter. Criteria: Ambry Variant Classification Scheme 2023. Collection method: clinical testing. Allele origin: germline.

Dr. Peter K. Rogan Lab, Western University
No classification provided (evidence only). Condition: Uterine corpus endometrial carcinoma. Review status: no classification provided. Collection method: in vitro. Allele origin: not applicable. Functional consequence: retained intron. Not counted in ClinVar's aggregate classification.